The following is an entry in ClinVar:

NM_007294.4(BRCA1):c.2362G>A (p.Val788Ile)

Gene: BRCA1 (BRCA1 DNA repair associated; minus strand). Cytogenetic location: 17q21.31.
Variant type: single nucleotide variant.
Coding change: c.2362G>A on transcript NM_007294.4 (MANE Select); coding-DNA position 2362, G replaced by A.
Protein change: p.Val788Ile; replaces valine 788 with isoleucine.
Molecular consequence: missense variant. On other transcripts: intron variant (137).
Genome position (GRCh38, 1-based): chr17:43,093,169, C>T on the plus strand (G>A on the coding strand, the complement: BRCA1 is on the minus strand). VCF-style: chr17-43093169-C-T. GRCh37 (hg19) VCF-style: chr17-41245186-C-T.
Other names: c.520+1575G>A (NM_001408504.1, NM_001408503.1, NM_001408505.1); c.643+1575G>A (NM_001408463.1, NM_001408462.1, NM_001408470.1 and 3 more transcripts); c.523+1575G>A (NM_001408499.1, NM_001408498.1, NM_001408501.1 and 3 more transcripts); c.671-2137G>A (NM_001408422.1, NM_001408418.1, NM_001408423.1 and 2 more transcripts); c.706+1575G>A (NM_001408416.1, NM_001408413.1); c.577+1575G>A (NM_001408484.1, NM_001408478.1, NM_001408514.1 and 9 more transcripts); c.661+1575G>A (NM_001408450.1, NM_001408434.1, NM_001408447.1 and 6 more transcripts); c.784+1575G>A (NM_001408398.1, NM_001407992.1, NM_001408400.1 and 13 more transcripts); and 41 more; short protein forms V788I, V741I, V676I, V699I, V700I, V740I, V762I, V620I.
Identifiers: ClinVar variation 54550 (VCV000054550.29), dbSNP rs80357060, ClinGen allele CA001579.

ClinVar aggregate classification (germline): Conflicting classifications of pathogenicity. Review status: criteria provided, conflicting classifications (1 of 4 stars). 9 submissions from 9 submitters: Uncertain significance (6); Likely benign (2). 1 of the submissions does not count toward it. Last evaluated 2026-03-08.

Conditions:
BRCA1-related cancer predisposition. Identifiers: MedGen CN377757, MONDO:0700268.
Hereditary cancer-predisposing syndrome. Also called: Tumor predisposition; Neoplastic Syndromes, Hereditary; Hereditary Cancer Syndrome; Hereditary neoplastic syndrome. Identifiers: Orphanet 140162, MedGen C0027672, MeSH D009386, MONDO:0015356.
Hereditary breast ovarian cancer syndrome. Also called: Hereditary breast and ovarian cancer syndrome (HBOC); Hereditary breast and ovarian cancer syndrome; Hereditary breast and ovarian cancer; Hereditary breast and/or ovarian cancer syndrome; Breast and ovarian cancer; BRCA1- and BRCA2-Associated Hereditary Breast and Ovarian Cancer. Identifiers: Orphanet 145, MedGen C0677776, MeSH D061325, MONDO:0003582. Disease mechanism: loss of function.
Breast-ovarian cancer, familial, susceptibility to, 1 (BROVCA1). Also called: OVARIAN CANCER, SUSCEPTIBILITY TO; BRCA1 Hereditary Breast and Ovarian Cancer. Identifiers: Orphanet 145, MedGen C2676676, MONDO:0011450, OMIM 604370. Disease mechanism: loss of function.
Familial cancer of breast. Also called: Hereditary breast cancer; hereditary breast carcinoma; BREAST CANCER, FAMILIAL. Identifiers: Orphanet 227535, MedGen C0346153, MONDO:0016419, OMIM 114480. Disease mechanism: loss of function.

Allele frequency attached by ClinVar (database versions not stated): TOPMed 0.00001; gnomAD exomes below 0.00001 and 0.00001; ExAC 0.00001; gnomAD 0.00001.

Submissions (9):

GeneDx
Classification: Uncertain significance. Last evaluated: 2026-03-08. Review status: criteria provided, single submitter. Criteria: GeneDx Variant Classification Process June 2021. Collection method: clinical testing. Allele origin: germline.
Comment: Observed in an individual with cutaneous melanoma (PMID: 29684080); In silico analysis suggests that this missense variant does not alter protein structure/function; Also known as 2481G>A; Not observed at significant frequency in large population cohorts (gnomAD); This variant is associated with the following publications: (PMID: 16518693, 10792030, 9774970, 15343273, 33471991, 31853058, 15235020, 29684080)

Labcorp Genetics (formerly Invitae), Labcorp
Classification: Uncertain significance for Hereditary breast ovarian cancer syndrome. Last evaluated: 2025-11-26. Review status: criteria provided, single submitter. Criteria: Invitae Variant Classification Sherloc (09022015). Collection method: clinical testing. Allele origin: germline.
Comment: This sequence change replaces valine, which is neutral and non-polar, with isoleucine, which is neutral and non-polar, at codon 788 of the BRCA1 protein (p.Val788Ile). This variant is present in population databases (rs80357060, gnomAD 0.002%). This variant has not been reported in the literature in individuals affected with BRCA1-related conditions. ClinVar contains an entry for this variant (Variation ID: 54550). Invitae Evidence Modeling of protein sequence and biophysical properties (such as structural, functional, and spatial information, amino acid conservation, physicochemical variation, residue mobility, and thermodynamic stability) indicates that this missense variant is not expected to disrupt BRCA1 protein function with a negative predictive value of 80%. In summary, the available evidence is currently insufficient to determine the role of this variant in disease. Therefore, it has been classified as a Variant of Uncertain Significance.

Quest Diagnostics Nichols Institute San Juan Capistrano
Classification: Uncertain significance. Last evaluated: 2024-11-04. Review status: criteria provided, single submitter. Criteria: Quest Diagnostics criteria. Collection method: clinical testing. Allele origin: unknown.
Comment: The BRCA1 c.2362G>A (p.Val788Ile) variant has been reported in the published literature in an individual with breast cancer in a large scale breast cancer association study (PMID: 33471991 (2021), see also LOVD), and described to be located in a region of the BRCA1 gene that is tolerant to missense sequence changes (PMID: 31911673 (2020)). The frequency of this variant in the general population, 0.000023 (3/128600 chromosomes (Genome Aggregation Database)), is uninformative in the assessment of its pathogenicity. Analysis of this variant using bioinformatics tools for the prediction of the effect of amino acid changes on protein structure and function yielded predictions that this variant is benign. Based on the available information, we are unable to determine the clinical significance of this variant.

Ambry Genetics
Classification: Uncertain significance for Hereditary cancer-predisposing syndrome. Last evaluated: 2024-08-01. Review status: criteria provided, single submitter. Criteria: Ambry Variant Classification Scheme 2023. Collection method: clinical testing. Allele origin: germline.
Comment: The p.V788I variant (also known as c.2362G>A), located in coding exon 9 of the BRCA1 gene, results from a G to A substitution at nucleotide position 2362. The valine at codon 788 is replaced by isoleucine, an amino acid with highly similar properties. This amino acid position is poorly conserved in available vertebrate species. In addition, this alteration is predicted to be tolerated by in silico analysis. Based on the available evidence, the clinical significance of this variant remains unclear.

All of Us Research Program, National Institutes of Health
Classification: Uncertain significance for BRCA1-related cancer predisposition. Last evaluated: 2024-05-14. Review status: criteria provided, single submitter. Criteria: ACMG Guidelines, 2015. Collection method: clinical testing. Allele origin: germline. Inheritance: Autosomal dominant inheritance. Observed: 2 variant alleles, 2 heterozygotes.
Comment: This missense variant replaces valine with isoleucine at codon 788 of the BRCA1 protein. Computational prediction suggests that this variant may not impact protein structure and function (internally defined REVEL score threshold <= 0.5, PMID: 27666373). To our knowledge, functional studies have not been reported for this variant. This variant has been detected in a breast cancer case-control meta-analysis in 1/60466 cases and 0/53461 unaffected individuals (PMID: 33471991; Leiden Open Variation Database DB-ID BRCA1_000197). This variant has been identified in 3/281974 chromosomes in the general population by the Genome Aggregation Database (gnomAD). The available evidence is insufficient to determine the role of this variant in disease conclusively. Therefore, this variant is classified as a Variant of Uncertain Significance.

This study involves interpretation of variants in research participants for the purpose of population health screening. Participant phenotype was not available at the time of variant classification. Additional details can be found in publication PMID: 35346344, PMCID: PMC8962531

Color Diagnostics, LLC DBA Color Health
Classification: Uncertain significance for Hereditary cancer-predisposing syndrome. Last evaluated: 2024-04-18. Review status: criteria provided, single submitter. Criteria: ACMG Guidelines, 2015. Collection method: clinical testing. Allele origin: germline.
Comment: This missense variant replaces valine with isoleucine at codon 788 of the BRCA1 protein. Computational prediction suggests that this variant may not impact protein structure and function. To our knowledge, functional studies have not been reported for this variant. This variant has been detected in a breast cancer case-control meta-analysis in 1/60466 cases and 0/53461 unaffected individuals (PMID: 33471991; Leiden Open Variation Database DB-ID BRCA1_000197). This variant has been identified in 3/281974 chromosomes in the general population by the Genome Aggregation Database (gnomAD). The available evidence is insufficient to determine the role of this variant in disease conclusively. Therefore, this variant is classified as a Variant of Uncertain Significance.

MGZ Medical Genetics Center
Classification: Likely benign for Familial cancer of breast. Last evaluated: 2024-02-09. Review status: criteria provided, single submitter. Criteria: CSpec BRCA1/2ACMG Rules Specifications V1.1.0. Collection method: clinical testing. Allele origin: germline. Affected: yes.
Comment: ACMG codes applied following ENIGMA VCEP rules: BP1_STR

University of Washington Department of Laboratory Medicine, University of Washington
Classification: Likely benign for Hereditary cancer-predisposing syndrome. Last evaluated: 2023-03-23. Review status: criteria provided, single submitter. Criteria: Dines et al. (Genet Med. 2020). Collection method: curation. Allele origin: germline.
Comment: Missense variant in a coldspot region where missense variants are very unlikely to be pathogenic (PMID:31911673).

BRCA1 coldspot (exon 11 using historical exon numbering). Reclassification based on statistical prior probability

Breast Cancer Information Core (BIC) (BRCA1)
Classification: Uncertain significance for Breast-ovarian cancer, familial 1. Last evaluated: 2002-05-29. Review status: no assertion criteria provided. Collection method: clinical testing. Allele origin: germline. Affected: yes. Observed: 1 variant allele. Not counted in ClinVar's aggregate classification.

Literature cited by the submitters: PubMed 33471991 (cited by 3 submitters); PubMed 31911673 (cited by Quest Diagnostics Nichols Institute San Juan Capistrano); PubMed 16518693 (cited by Quest Diagnostics Nichols Institute San Juan Capistrano and Ambry Genetics); PubMed 15235020 (cited by Quest Diagnostics Nichols Institute San Juan Capistrano and Ambry Genetics).